The following is an entry in ClinVar:

NM_020117.11(LARS1):c.2295C>T (p.Leu765=)

Gene: LARS1 (leucyl-tRNA synthetase 1; minus strand). Cytogenetic location: 5q32.
Variant type: single nucleotide variant.
Coding change: c.2295C>T on transcript NM_020117.11 (MANE Select); coding-DNA position 2295, C replaced by T.
Protein change: p.Leu765=; no amino-acid change (leucine 765 retained).
Molecular consequence: synonymous variant.
Genome position (GRCh38, 1-based): chr5:146,132,999, G>A on the plus strand (C>T on the coding strand, the complement: LARS1 is on the minus strand). VCF-style: chr5-146132999-G-A. GRCh37 (hg19) VCF-style: chr5-145512562-G-A.
Other names: c.2157C>T, p.Leu719= (NM_001317964.2); c.2133C>T, p.Leu711= (NM_001317965.2); c.2214C>T, p.Leu738= (NM_016460.4).
Identifiers: ClinVar variation 514598 (VCV000514598.1), dbSNP rs1554127663, ClinGen allele CA446914734.

ClinVar aggregate classification (germline): Likely benign (1 of 4 stars; one submission).

Allele frequency attached by ClinVar (database versions not stated): gnomAD exomes below 0.00001; TOPMed below 0.00001.
gnomAD v4.1: 5 of 1,613,988 alleles (0.00031%); highest among the groups gnomAD compares: Non-Finnish European, 0.00042%; no homozygotes.

Submission:

GeneDx
Classification: Likely benign. Last evaluated: 2018-01-31. Review status: criteria provided, single submitter. Criteria: GeneDx Variant Classification (06012015). Collection method: clinical testing. Allele origin: germline. Affected: yes.
Comment: This variant is considered likely benign or benign based on one or more of the following criteria: it is a conservative change, it occurs at a poorly conserved position in the protein, it is predicted to be benign by multiple in silico algorithms, and/or has population frequency not consistent with disease.